The following is an entry in ClinVar:

NM_000277.3(PAH):c.164T>C (p.Phe55Ser)

Gene: PAH (phenylalanine hydroxylase; minus strand). Cytogenetic location: 12q23.2.
Variant type: single nucleotide variant.
Coding change: c.164T>C on transcript NM_000277.3 (MANE Select); coding-DNA position 164, T replaced by C.
Protein change: p.Phe55Ser; replaces phenylalanine 55 with serine.
Molecular consequence: missense variant.
Genome position (GRCh38, 1-based): chr12:102,912,795, A>G on the plus strand (T>C on the coding strand, the complement: PAH is on the minus strand). VCF-style: chr12-102912795-A-G. GRCh37 (hg19) VCF-style: chr12-103306573-A-G.
Other names: NM_000277.2(PAH):c.164T>C; c.164T>C, p.Phe55Ser (NM_001354304.2); short protein forms F55S.
Identifiers: ClinVar variation 120266 (VCV000120266.3), dbSNP rs281865438, ClinGen allele CA267639.

ClinVar aggregate classification (germline): Likely pathogenic. Review status: reviewed by expert panel (3 of 4 stars). 2 submissions from 2 submitters: Likely pathogenic (1). 1 of the submissions does not count toward it. Last evaluated 2018-12-10.

Conditions:
Phenylketonuria (PKU). Also called: Phenylketonuria (PKU); FOLLING DISEASE; OLIGOPHRENIA PHENYLPYRUVICA; Phenylketonurias. Identifiers: Orphanet 716, MedGen C0031485, MONDO:0009861, OMIM 261600. Disease mechanism: loss of function.

Allele frequency attached by ClinVar (database versions not stated): gnomAD exomes below 0.00001.
gnomAD v4.1: 1 of 1,607,032 alleles (0.000062%); highest among the groups gnomAD compares: Non-Finnish European, 0.000085%; no homozygotes.

Submissions (2):

ClinGen PAH Variant Curation Expert Panel
Classification: Likely pathogenic for Phenylketonuria. Last evaluated: 2018-12-10. Review status: reviewed by expert panel. Criteria: ClinGen PAH ACMG Specifications v1. Collection method: curation. Allele origin: germline. Inheritance: Autosomal recessive inheritance.
Comment: BH4 deficiency was not assessed. It was detected with a known pathogenic variant c.1066-11G>A (PMID: 26666653). This variant is absent from ExAC, gnomAD, 1000G, and ESP. A deleterious effect is predicted in SIFT, Polyphen-2, MutationTaster, and REVEL=0.96. In summary, this variant meets criteria to be classified as likely pathogenic for PAH. PAH-specific ACMG/AMP criteria applied: PM2, PM3, PP4, PP3.

Inserm U 954, Faculté de Médecine de Nancy
Classification: Likely pathogenic for Phenylketonuria. Review status: no assertion criteria provided. Collection method: not provided. Allele origin: unknown. Not counted in ClinVar's aggregate classification.
ClinVar note: Converted during submission from probable-pathogenic to Likely pathogenic.

Literature cited by the submitters: PubMed 26666653 (cited by ClinGen PAH Variant Curation Expert Panel).